The following is an entry in ClinVar:

ClinVar aggregate classification (germline): Uncertain significance (1 of 4 stars; one submission).

Allele frequency attached by ClinVar (database versions not stated): gnomAD 0.00001; gnomAD exomes 0.00001; ExAC 0.00004.
gnomAD v4.1: 15 of 1,596,702 alleles (0.00094%); highest among the groups gnomAD compares: Admixed American, 0.007%; no homozygotes.

Submission:

Labcorp Genetics (formerly Invitae), Labcorp
Classification: Uncertain significance. Last evaluated: 2022-01-19. Review status: criteria provided, single submitter. Criteria: Invitae Variant Classification Sherloc (09022015). Collection method: clinical testing. Allele origin: germline.
Comment: In summary, the available evidence is currently insufficient to determine the role of this variant in disease. Therefore, it has been classified as a Variant of Uncertain Significance. Variants that disrupt the consensus splice site are a relatively common cause of aberrant splicing (PMID: 17576681, 9536098). Algorithms developed to predict the effect of sequence changes on RNA splicing suggest that this variant may create or strengthen a splice site. This variant has not been reported in the literature in individuals affected with PIGB-related conditions. This variant is present in population databases (rs779396788, gnomAD 0.01%). This sequence change falls in intron 2 of the PIGB gene. It does not directly change the encoded amino acid sequence of the PIGB protein. It affects a nucleotide within the consensus splice site.

Literature cited by the submitters: PubMed 17576681; PubMed 9536098.

NM_004855.5(PIGB):c.300-1A>G

Gene: PIGB (phosphatidylinositol glycan anchor biosynthesis class B; plus strand). Cytogenetic location: 15q21.3.
Variant type: single nucleotide variant.
Coding change: c.300-1A>G on transcript NM_004855.5 (MANE Select); the canonical splice acceptor site of the intron before coding-DNA position 300, A replaced by G.
Molecular consequence: splice acceptor variant.
Genome position (GRCh38, 1-based): chr15:55,321,272, A>G. VCF-style: chr15-55321272-A-G. GRCh37 (hg19) VCF-style: chr15-55613470-A-G.
Identifiers: ClinVar variation 1988561 (VCV001988561.2), dbSNP rs779396788, ClinGen allele CA7573816.
Genomic context (GRCh38, chr15:55,321,272, plus strand): 5'-AAAAAAAAAACACGGAAATAGGTTTCAATATTATTGGACATTTACTCCTTAATGTTACTA[A>G]TTATGGTTATTTGACTTGGGAATGGACAGAGAGACTGAGGAGTTACACTTATCCCTTAAT-3'